The following is an entry in ClinVar:

NM_001082486.1(ACD):c.137G>T (p.Arg46Leu)

Genes: ACD (ACD shelterin complex subunit and telomerase recruitment factor; minus strand), LOC130059224 (ATAC-STARR-seq lymphoblastoid silent region 7617; plus strand). Cytogenetic location: 16q22.1.
Variant type: single nucleotide variant.
Coding change: c.137G>T on transcript NM_001082486.1; coding-DNA position 137, G replaced by T.
Protein change: p.Arg46Leu; replaces arginine 46 with leucine.
Genome position (GRCh38, 1-based): chr16:67,660,342, C>A on the plus strand (G>T on the coding strand, the complement: ACD is on the minus strand). VCF-style: chr16-67660342-C-A. GRCh37 (hg19) VCF-style: chr16-67694245-C-A.
Other names: short protein forms R46L.
Identifiers: ClinVar variation 1771260 (VCV001771260.4), dbSNP rs763876886, ClinGen allele CA396359632.

ClinVar aggregate classification (germline): Uncertain significance (1 of 4 stars; one submission).

Conditions:
Inborn genetic diseases. Identifiers: MedGen C0950123, MeSH D030342.

Submission:

Ambry Genetics
Classification: Uncertain significance for Inborn genetic diseases. Last evaluated: 2024-05-05. Review status: criteria provided, single submitter. Criteria: Ambry Variant Classification Scheme 2023. Collection method: clinical testing. Allele origin: germline.
Comment: The p.R46L variant (also known as c.137G>T), located in coding exon 1 of the ACD gene, results from a G to T substitution at nucleotide position 137. The arginine at codon 46 is replaced by leucine, an amino acid with dissimilar properties. This amino acid position is conserved. In addition, this alteration is predicted to be tolerated by in silico analysis. Since supporting evidence is limited at this time, the clinical significance of this alteration remains unclear.